The following is an entry in ClinVar:

ClinVar aggregate classification (germline): Uncertain significance (1 of 4 stars; one submission).

Submission:

Labcorp Genetics (formerly Invitae), Labcorp
Classification: Uncertain significance. Last evaluated: 2022-07-08. Review status: criteria provided, single submitter. Criteria: Invitae Variant Classification Sherloc (09022015). Collection method: clinical testing. Allele origin: germline.
Comment: In summary, the available evidence is currently insufficient to determine the role of this variant in disease. Therefore, it has been classified as a Variant of Uncertain Significance. This variant has not been reported in the literature in individuals affected with STS-related conditions. This variant results in a copy number gain of the genomic region encompassing exon(s) 7-10 of the STS gene. This region includes the termination codon of the gene. This copy number gain extends beyond the assayed region for this gene and therefore may encompass additional genes. As the precise location of this event is unknown, it may be in tandem or it may be located elsewhere in the genome.

NC_000023.10:g.(?_7223067)_(7268302_?)dup

Gene: STS (steroid sulfatase; plus strand). Cytogenetic location: Xp22.31.
Variant type: Duplication.
Identifiers: ClinVar variation 2422955 (VCV002422955.4).